The following is an entry in ClinVar:

ClinVar aggregate classification (germline): Pathogenic (1 of 4 stars; one submission).

Conditions:
Glycine encephalopathy. Also called: Nonketotic hyperglycinemia; Non-ketotic hyperglycinemia. Identifiers: Orphanet 407, MedGen C0751748, MONDO:0011612, HP:0008288.

Submission:

Labcorp Genetics (formerly Invitae), Labcorp
Classification: Pathogenic for Glycine encephalopathy. Last evaluated: 2023-04-10. Review status: criteria provided, single submitter. Criteria: Invitae Variant Classification Sherloc (09022015). Collection method: clinical testing. Allele origin: germline.
Comment: This variant has not been reported in the literature in individuals affected with AMT-related conditions. This variant disrupts a region of the AMT protein in which other variant(s) (p.Gly363Arg) have been determined to be pathogenic (Invitae). This suggests that this is a clinically significant region of the protein, and that variants that disrupt it are likely to be disease-causing. For these reasons, this variant has been classified as Pathogenic. This variant is not present in population databases (gnomAD no frequency). This sequence change results in a frameshift in the AMT gene (p.Val360Glyfs*63). While this is not anticipated to result in nonsense mediated decay, it is expected to disrupt the last 44 amino acid(s) of the AMT protein and extend the protein by 18 additional amino acid residues.

NM_000481.4(AMT):c.1079_1080del (p.Val360fs)

Gene: AMT (aminomethyltransferase; minus strand). Cytogenetic location: 3p21.31.
Variant type: Microsatellite.
Coding change: c.1079_1080del on transcript NM_000481.4 (MANE Select); coding-DNA positions 1079 to 1080, 2 bases deleted (TG; older notation c.1079_1080delTG).
Protein change: p.Val360fs; shifts the reading frame from valine 360.
Molecular consequence: frameshift variant. On other transcripts: non-coding transcript variant (1).
Genome position (GRCh38, 1-based): chr3:49,417,672-49,417,673, CA deleted on the plus strand (TG on the coding strand, the reverse complement: AMT is on the minus strand); deleting any 2 consecutive bases within chr3:49,417,672-49,417,675 gives the same sequence; the c. name uses the placement nearest the transcript's 3' end. VCF-style (leftmost placement, unchanged base first): chr3-49417671-CCA-C. GRCh37 (hg19) VCF-style: chr3-49455104-CCA-C.
Other names: c.911_912del, p.Val304fs (NM_001164711.2); c.1079_1080del, p.Val360fs (NM_001164712.2); c.947_948del, p.Val316fs (NM_001164710.2); short protein forms V316fs, V304fs, V360fs.
Identifiers: ClinVar variation 2854597 (VCV002854597.3), dbSNP rs2471145374, ClinGen allele CA2739279802.